The following is an entry in ClinVar:

NM_001009944.3(PKD1):c.4254C>T (p.Thr1418=)

Gene: PKD1 (polycystin 1, transient receptor potential channel interacting; minus strand). Cytogenetic location: 16p13.3.
Variant type: single nucleotide variant.
Coding change: c.4254C>T on transcript NM_001009944.3 (MANE Select); coding-DNA position 4254, C replaced by T.
Protein change: p.Thr1418=; no amino-acid change (threonine 1418 retained).
Molecular consequence: synonymous variant.
Genome position (GRCh38, 1-based): chr16:2,110,913, G>A on the plus strand (C>T on the coding strand, the complement: PKD1 is on the minus strand). VCF-style: chr16-2110913-G-A. GRCh37 (hg19) VCF-style: chr16-2160914-G-A.
Other names: c.4254C>T, p.Thr1418= (NM_000296.4).
Identifiers: ClinVar variation 1344979 (VCV001344979.3), dbSNP rs534285695, ClinGen allele CA7832441.

ClinVar aggregate classification (germline): Likely benign. Review status: criteria provided, single submitter (1 of 4 stars). 2 submissions from 2 submitters: Likely benign (1). 1 of the submissions does not count toward it. Last evaluated 2021-05-11.

Conditions:
PKD1-related disorder. Also called: PKD1-related condition.

Allele frequency attached by ClinVar (database versions not stated): gnomAD 0.00012 and 0.00013; 1000 Genomes Project 30x 0.00016; 1000 Genomes Project 0.00020; TOPMed 0.00025.
gnomAD v4.1: 76 of 1,611,322 alleles (0.0047%); highest among the groups gnomAD compares: Admixed American, 0.063%; no homozygotes.

Submissions (2):

GeneDx
Classification: Likely benign. Last evaluated: 2021-05-11. Review status: criteria provided, single submitter. Criteria: GeneDx Variant Classification Process June 2021. Collection method: clinical testing. Allele origin: germline. Affected: yes.

PreventionGenetics, part of Exact Sciences
Classification: Likely benign for PKD1-related condition. Last evaluated: 2024-05-22. Review status: no assertion criteria provided. Collection method: clinical testing. Allele origin: germline. Not counted in ClinVar's aggregate classification.
Comment: This variant is classified as likely benign based on ACMG/AMP sequence variant interpretation guidelines (Richards et al. 2015 PMID: 25741868, with internal and published modifications).